The following is an entry in ClinVar:

ClinVar aggregate classification (germline): Pathogenic (1 of 4 stars; one submission).

Submission:

GeneDx
Classification: Pathogenic. Last evaluated: 2022-01-20. Review status: criteria provided, single submitter. Criteria: GeneDx Variant Classification Process June 2021. Collection method: clinical testing. Allele origin: germline. Affected: yes.
Comment: Initiation codon variant in a gene for which loss-of-function is a known mechanism of disease; Not observed at significant frequency in large population cohorts (gnomAD); Has not been previously published as pathogenic or benign to our knowledge

NM_018684.4(ZC4H2):c.2T>C (p.Met1Thr)

Gene: ZC4H2 (zinc finger C4H2-type containing; minus strand). Cytogenetic location: Xq11.2.
Variant type: single nucleotide variant.
Coding change: c.2T>C on transcript NM_018684.4 (MANE Select); coding-DNA position 2, T replaced by C.
Protein change: p.Met1Thr; changes the start codon (methionine 1).
Molecular consequence: missense variant, initiator codon variant. On other transcripts: non-coding transcript variant (1), intron variant (2).
Genome position (GRCh38, 1-based): chrX:64,976,376, A>G on the plus strand (T>C on the coding strand, the complement: ZC4H2 is on the minus strand). VCF-style: chrX-64976376-A-G. GRCh37 (hg19) VCF-style: chrX-64196256-A-G.
Other names: c.2T>C, p.Met1Thr (NM_001178033.3); c.-16-54388T>C (NM_001243804.2); c.-271-54133T>C (NM_001178032.3); short protein forms M1T.
Identifiers: ClinVar variation 1698141 (VCV001698141.3), dbSNP rs2147421854, ClinGen allele CA413410917.